The following is an entry in ClinVar:

NM_012330.4(KAT6B):c.581C>T (p.Ser194Leu)

Gene: KAT6B (lysine acetyltransferase 6B; plus strand). Cytogenetic location: 10q22.2.
Variant type: single nucleotide variant.
Coding change: c.581C>T on transcript NM_012330.4 (MANE Select); coding-DNA position 581, C replaced by T.
Protein change: p.Ser194Leu; replaces serine 194 with leucine.
Molecular consequence: missense variant.
Genome position (GRCh38, 1-based): chr10:74,843,438, C>T. VCF-style: chr10-74843438-C-T. GRCh37 (hg19) VCF-style: chr10-76603196-C-T.
Other names: c.581C>T, p.Ser194Leu (NM_001370137.1, NM_001370138.1, NM_001370139.1 and 10 more transcripts); c.581C>T (NM_012330.2); c.43C>T, p.Arg15Cys (NM_001370134.1, NM_001370135.1); short protein forms R15C, S194L.
Identifiers: ClinVar variation 2747386 (VCV002747386.4), dbSNP rs760824486, ClinGen allele CA5564238.

ClinVar aggregate classification (germline): Conflicting classifications of pathogenicity. Review status: criteria provided, conflicting classifications (1 of 4 stars). 2 submissions from 2 submitters: Uncertain significance (1); Likely benign (1). Last evaluated 2025-08-11.

Conditions:
Inborn genetic diseases. Identifiers: MedGen C0950123, MeSH D030342.
Genitopatellar syndrome (GTPTS). Also called: ABSENT PATELLAE, SCROTAL HYPOPLASIA, RENAL ANOMALIES, FACIAL DYSMORPHISM, AND MENTAL RETARDATION; Genitopatellar syndrome (GPS). Identifiers: Orphanet 85201, MedGen C1853566, MONDO:0011640, OMIM 606170.

Allele frequency attached by ClinVar (database versions not stated): gnomAD 0.00003; ExAC 0.00001; gnomAD exomes 0.00002; TOPMed 0.00002.
gnomAD v4.1: 30 of 1,613,830 alleles (0.0019%); highest among the groups gnomAD compares: African/African-American, 0.008%; no homozygotes.

Submissions (2):

Labcorp Genetics (formerly Invitae), Labcorp
Classification: Uncertain significance for Genitopatellar syndrome. Last evaluated: 2025-08-11. Review status: criteria provided, single submitter. Criteria: Invitae Variant Classification Sherloc (09022015). Collection method: clinical testing. Allele origin: germline.
Comment: This sequence change replaces serine, which is neutral and polar, with leucine, which is neutral and non-polar, at codon 194 of the KAT6B protein (p.Ser194Leu). This variant is present in population databases (rs760824486, gnomAD 0.01%). This variant has not been reported in the literature in individuals affected with KAT6B-related conditions. ClinVar contains an entry for this variant (Variation ID: 2747386). An algorithm developed to predict the effect of missense changes on protein structure and function (PolyPhen-2) suggests that this variant is likely to be tolerated. In summary, the available evidence is currently insufficient to determine the role of this variant in disease. Therefore, it has been classified as a Variant of Uncertain Significance.

Ambry Genetics
Classification: Likely benign for Inborn genetic diseases. Last evaluated: 2024-10-08. Review status: criteria provided, single submitter. Criteria: Ambry Variant Classification Scheme 2023. Collection method: clinical testing. Allele origin: germline.